The following is an entry in ClinVar:

ClinVar aggregate classification (germline): Conflicting classifications of pathogenicity. Review status: criteria provided, conflicting classifications (1 of 4 stars). 2 submissions from 2 submitters: Uncertain significance (1); Likely benign (1). Last evaluated 2024-09-01.

Conditions:
Congenital insensitivity to pain-hypohidrosis syndrome. Also called: HSAN VIII; Neuropathy, hereditary sensory and autonomic, type VIII. Identifiers: Orphanet 478664, MedGen C4225308, MONDO:0014662, OMIM 616488.

Allele frequency attached by ClinVar (database versions not stated): gnomAD exomes below 0.00001 and 0.00001; TOPMed below 0.00001; gnomAD 0.00001.

Submissions (2):

Labcorp Genetics (formerly Invitae), Labcorp
Classification: Likely benign for Congenital insensitivity to pain-hypohidrosis syndrome. Last evaluated: 2024-09-01. Review status: criteria provided, single submitter. Criteria: Invitae Variant Classification Sherloc (09022015). Collection method: clinical testing. Allele origin: germline.

CeGaT Center for Human Genetics Tuebingen
Classification: Uncertain significance. Last evaluated: 2024-03-01. Review status: criteria provided, single submitter. Criteria: CeGaT Center For Human Genetics Tuebingen Variant Classification Criteria Version 2. Collection method: clinical testing. Allele origin: germline. Affected: yes. Observed: 1 variant allele.
Comment: PRDM12: PM2:Supporting, BP4

NM_021619.3(PRDM12):c.381G>A (p.Val127=)

Genes: PRDM12 (PR/SET domain 12; plus strand), LOC126860775 (CDK7 strongly-dependent group 2 enhancer GRCh37_chr9:133541982-133543181; plus strand). Cytogenetic location: 9q34.12.
Variant type: single nucleotide variant.
Coding change: c.381G>A on transcript NM_021619.3 (MANE Select); coding-DNA position 381, G replaced by A.
Protein change: p.Val127=; no amino-acid change (valine 127 retained).
Molecular consequence: synonymous variant.
Genome position (GRCh38, 1-based): chr9:130,666,765, G>A. VCF-style: chr9-130666765-G-A. GRCh37 (hg19) VCF-style: chr9-133542152-G-A.
Identifiers: ClinVar variation 1645071 (VCV001645071.29), dbSNP rs920723962, ClinGen allele CA200649520.